The following is an entry in ClinVar:

NM_002471.4(MYH6):c.2024T>G (p.Ile675Ser)

Gene: MYH6 (myosin heavy chain 6; minus strand). Cytogenetic location: 14q11.2.
Variant type: single nucleotide variant.
Coding change: c.2024T>G on transcript NM_002471.4 (MANE Select); coding-DNA position 2024, T replaced by G.
Protein change: p.Ile675Ser; replaces isoleucine 675 with serine.
Molecular consequence: missense variant.
Genome position (GRCh38, 1-based): chr14:23,397,196, A>C on the plus strand (T>G on the coding strand, the complement: MYH6 is on the minus strand). VCF-style: chr14-23397196-A-C. GRCh37 (hg19) VCF-style: chr14-23866405-A-C.
Other names: short protein forms I675S.
Identifiers: ClinVar variation 2644100 (VCV002644100.24), dbSNP rs2502180266, ClinGen allele CA389019278.
Genomic context (GRCh38, chr14:23,397,196, plus strand): 5'-GTCCTCCCCAGACTAAGGTCTTCTCCTGGCTCACCTGGAGCCTTCCGCTCATTGGGGATG[A>C]TGCAACGCACAAAGTGAGGATGGGTGGTCCTCAGGTTGGTCATTAGCTTGTTGAGATTTT-3'
Protein context (NP_002462.2, residues 665-685): RTTHPHFVRC[Ile675Ser]IPNERKAPGV

ClinVar aggregate classification (germline): Uncertain significance (1 of 4 stars; one submission).

Submission:

CeGaT Center for Human Genetics Tuebingen
Classification: Uncertain significance. Last evaluated: 2023-08-01. Review status: criteria provided, single submitter. Criteria: CeGaT Center For Human Genetics Tuebingen Variant Classification Criteria Version 2. Collection method: clinical testing. Allele origin: germline. Affected: yes. Observed: 1 variant allele.
Comment: MYH6: PM2